The following is an entry in ClinVar:

GRCh38/hg38 6q26-27(chr6:161349282-170584790)x1

Genes: AFDN (afadin, adherens junction formation factor; plus strand), AFDN-DT (AFDN divergent transcript; minus strand), C6orf118 (chromosome 6 open reading frame 118; minus strand), C6orf120 (chromosome 6 open reading frame 120; plus strand), CAHM (colon adenocarcinoma hypermethylated; minus strand) and 255 more. Cytogenetic location: 6q26-27.
Variant type: copy number loss.
Change: copy number 1 (one copy instead of two) of chr6:161,349,282-170,584,790 (9.24 Mb, GRCh38 coordinates, 1-based), cytogenetic band 6q26-27.
Identifiers: ClinVar variation 2579276 (VCV002579276.1).

ClinVar aggregate classification (germline): Pathogenic (1 of 4 stars; one submission).

Conditions:
Neurodevelopmental disorder with nonspecific brain abnormalities and with or without seizures. Identifiers: MedGen C5231470, MONDO:0032877, OMIM 618709.

Submission:

Broad Center for Mendelian Genomics, Broad Institute of MIT and Harvard
Classification: Pathogenic for Neurodevelopmental disorder with nonspecific brain abnormalities and with or without seizures. Last evaluated: 2023-08-24. Review status: criteria provided, single submitter. Criteria: ACMG/ClinGen CNV Guidelines, 2019. Collection method: research. Allele origin: de novo. Inheritance: Autosomal dominant inheritance. Affected: yes.
Comment: This deletion was validated by karyotype followed by targeted FISH. These breakpoints have been estimated by exome sequencing only and therefore may not reflect the true breakpoints. The patient phenotype is nonspecific, but is consistent with cases described in the literature and/or published databases with overlapping variants. There is complete overlap with the DLL1 gene which is known to be haploinsufficient and has been assessed by the ClinGen Dosage Sensitivity Working Group. In summary, the 6q26-q27 deletion meets criteria to be classified as pathogenic. The ACMG/ClinGen evidence codes and points used in this curation are as follows: 1: 0 points, 2: 1.00 points, 3: 0.45 points, 4-5: 0.15 points; Total: 1.60 points; Riggs 2020 (PMID: 31690835)